The following is an entry in ClinVar:

ClinVar aggregate classification (germline): Uncertain significance (1 of 4 stars; one submission).

Submission:

GeneDx
Classification: Uncertain significance. Last evaluated: 2023-10-27. Review status: criteria provided, single submitter. Criteria: GeneDx Variant Classification Process June 2021. Collection method: clinical testing. Allele origin: germline. Affected: yes.
Comment: Not observed at significant frequency in large population cohorts (gnomAD); In silico analysis supports that this missense variant has a deleterious effect on protein structure/function; Has not been previously published as pathogenic or benign to our knowledge

NM_052867.4(NALCN):c.3131C>G (p.Ala1044Gly)

Gene: NALCN (sodium leak channel, non-selective; minus strand). Cytogenetic location: 13q33.1.
Variant type: single nucleotide variant.
Coding change: c.3131C>G on transcript NM_052867.4 (MANE Select); coding-DNA position 3131, C replaced by G.
Protein change: p.Ala1044Gly; replaces alanine 1044 with glycine.
Molecular consequence: missense variant.
Genome position (GRCh38, 1-based): chr13:101,100,815, G>C on the plus strand (C>G on the coding strand, the complement: NALCN is on the minus strand). VCF-style: chr13-101100815-G-C. GRCh37 (hg19) VCF-style: chr13-101753166-G-C.
Other names: c.3218C>G, p.Ala1073Gly (NM_001350748.2); c.3131C>G, p.Ala1044Gly (NM_001350749.2); c.3044C>G, p.Ala1015Gly (NM_001350750.2, NM_001350751.2); short protein forms A1015G, A1044G, A1073G.
Identifiers: ClinVar variation 3366230 (VCV003366230.1).